The following is an entry in ClinVar:

ClinVar aggregate classification (germline): Uncertain significance (1 of 4 stars; one submission).

Conditions:
Inborn genetic diseases. Identifiers: MedGen C0950123, MeSH D030342.

Submission:

Ambry Genetics
Classification: Uncertain significance for Inborn genetic diseases. Last evaluated: 2025-04-04. Review status: criteria provided, single submitter. Criteria: Ambry Variant Classification Scheme 2023. Collection method: clinical testing. Allele origin: germline.
Comment: The p.P183A variant (also known as c.547C>G), located in coding exon 1 of the WT1 gene, results from a C to G substitution at nucleotide position 547. The proline at codon 183 is replaced by alanine, an amino acid with highly similar properties. This amino acid position is conserved. In addition, the in silico prediction for this alteration is inconclusive. Based on the available evidence, the clinical significance of this variant remains unclear.

NM_024426.6(WT1):c.562C>G (p.Pro188Ala)

Genes: WT1 (WT1 transcription factor; minus strand), LOC107982234 (WT1/WT1-AS bi-directional promoter region; plus strand). Cytogenetic location: 11p13.
Variant type: single nucleotide variant.
Coding change: c.562C>G on transcript NM_024426.6 (MANE Select); coding-DNA position 562, C replaced by G.
Protein change: p.Pro188Ala; replaces proline 188 with alanine.
Molecular consequence: missense variant. On other transcripts: non-coding transcript variant (2).
Genome position (GRCh38, 1-based): chr11:32,434,799, G>C on the plus strand (C>G on the coding strand, the complement: WT1 is on the minus strand). VCF-style: chr11-32434799-G-C. GRCh37 (hg19) VCF-style: chr11-32456345-G-C.
Other names: c.562C>G, p.Pro188Ala (NM_000378.6, NM_001407044.1, NM_001407045.1 and 6 more transcripts); c.343C>G, p.Pro115Ala (NM_001429031.1, NM_001429032.1, NM_001429033.1 and 1 more transcripts); short protein forms P115A, P188A, P183A.
Identifiers: ClinVar variation 3982440 (VCV003982440.1).